The following is an entry in ClinVar:

NM_001128840.3(CACNA1D):c.2160C>T (p.Gly720=)

Gene: CACNA1D (calcium voltage-gated channel subunit alpha1 D; plus strand). Cytogenetic location: 3p21.1.
Variant type: single nucleotide variant.
Coding change: c.2160C>T on transcript NM_001128840.3 (MANE Select); coding-DNA position 2160, C replaced by T.
Protein change: p.Gly720=; no amino-acid change (glycine 720 retained).
Molecular consequence: synonymous variant.
Genome position (GRCh38, 1-based): chr3:53,726,938, C>T. VCF-style: chr3-53726938-C-T. GRCh37 (hg19) VCF-style: chr3-53760965-C-T.
Other names: c.2220C>T, p.Gly740= (NM_000720.4); c.2160C>T, p.Gly720= (NM_001128839.3).
Identifiers: ClinVar variation 1343499 (VCV001343499.9), dbSNP rs927365957, ClinGen allele CA74850440.

ClinVar aggregate classification (germline): Likely benign. Review status: criteria provided, multiple submitters, no conflicts (2 of 4 stars). 2 submissions from 2 submitters: Likely benign (2). Last evaluated 2023-11-10.

Allele frequency attached by ClinVar (database versions not stated): gnomAD exomes below 0.00001 and 0.00001; TOPMed 0.00001.
gnomAD v4.1: 4 of 1,614,038 alleles (0.00025%); highest among the groups gnomAD compares: Non-Finnish European, 0.00034%; no homozygotes.

Submissions (2):

Labcorp Genetics (formerly Invitae), Labcorp
Classification: Likely benign. Last evaluated: 2023-11-10. Review status: criteria provided, single submitter. Criteria: Invitae Variant Classification Sherloc (09022015). Collection method: clinical testing. Allele origin: germline.

Women's Health and Genetics/Laboratory Corporation of America, LabCorp
Classification: Likely benign. Last evaluated: 2022-02-02. Review status: criteria provided, single submitter. Criteria: LabCorp Variant Classification Summary - May 2015. Collection method: clinical testing. Allele origin: germline.
Comment: Variant summary: CACNA1D c.2220C>T alters a non-conserved nucleotide resulting in a synonymous change. Several computational tools predict a significant impact on normal splicing: Four predict the variant no significant impact on splicing. However, these predictions have yet to be confirmed by functional studies. The variant allele was found at a frequency of 4e-06 in 251488 control chromosomes. The available data on variant occurrences in the general population are insufficient to allow any conclusion about variant significance. To our knowledge, no occurrence of c.2220C>T in individuals affected with Sinoatrial Node Dysfunction And Deafness and no experimental evidence demonstrating its impact on protein function have been reported. No clinical diagnostic laboratories have submitted clinical-significance assessments for this variant to ClinVar after 2014. Based on the evidence outlined above, the variant was classified as likely benign.